The following is an entry in ClinVar:

NM_001113491.2(SEPTIN9):c.815C>T (p.Ala272Val)

Gene: SEPTIN9 (septin 9; plus strand). Cytogenetic location: 17q25.3.
Variant type: single nucleotide variant.
Coding change: c.815C>T on transcript NM_001113491.2 (MANE Select); coding-DNA position 815, C replaced by T.
Protein change: p.Ala272Val; replaces alanine 272 with valine.
Molecular consequence: missense variant.
Genome position (GRCh38, 1-based): chr17:77,482,237, C>T. VCF-style: chr17-77482237-C-T. GRCh37 (hg19) VCF-style: chr17-75478319-C-T.
Other names: c.323C>T, p.Ala108Val (NM_001113492.2, NM_001113494.1); c.794C>T, p.Ala265Val (NM_001113493.2); c.62C>T, p.Ala21Val (NM_001113495.2, NM_001113496.2, NM_001293697.2 and 1 more transcripts); c.758C>T, p.Ala253Val (NM_001293695.2); c.143C>T, p.Ala48Val (NM_001293696.2); c.761C>T, p.Ala254Val (NM_006640.5); short protein forms A272V, A48V, A108V, A254V, A21V, A253V, A265V.
Identifiers: ClinVar variation 4759535 (VCV004759535.1).

ClinVar aggregate classification (germline): Uncertain significance (1 of 4 stars; one submission).

Submission:

Labcorp Genetics (formerly Invitae), Labcorp
Classification: Uncertain significance. Last evaluated: 2025-08-26. Review status: criteria provided, single submitter. Criteria: Invitae Variant Classification Sherloc (09022015). Collection method: clinical testing. Allele origin: germline.
Comment: This sequence change replaces alanine, which is neutral and non-polar, with valine, which is neutral and non-polar, at codon 254 of the SEPT9 protein (p.Ala254Val). This variant is not present in population databases (gnomAD no frequency). This variant has not been reported in the literature in individuals affected with SEPT9-related conditions. Invitae Evidence Modeling of protein sequence and biophysical properties (such as structural, functional, and spatial information, amino acid conservation, physicochemical variation, residue mobility, and thermodynamic stability) indicates that this missense variant is not expected to disrupt SEPT9 protein function with a negative predictive value of 80%. In summary, the available evidence is currently insufficient to determine the role of this variant in disease. Therefore, it has been classified as a Variant of Uncertain Significance.